The following is an entry in ClinVar:

NM_001257180.2(SLC20A2):c.678C>T (p.Phe226=)

Gene: SLC20A2 (solute carrier family 20 member 2; minus strand). Cytogenetic location: 8p11.21.
Variant type: single nucleotide variant.
Coding change: c.678C>T on transcript NM_001257180.2 (MANE Select); coding-DNA position 678, C replaced by T.
Protein change: p.Phe226=; no amino-acid change (phenylalanine 226 retained).
Molecular consequence: synonymous variant.
Genome position (GRCh38, 1-based): chr8:42,444,698, G>A on the plus strand (C>T on the coding strand, the complement: SLC20A2 is on the minus strand). VCF-style: chr8-42444698-G-A. GRCh37 (hg19) VCF-style: chr8-42302216-G-A.
Other names: c.678C>T, p.Phe226= (NM_001257181.2, NM_006749.5).
Identifiers: ClinVar variation 363088 (VCV000363088.9), dbSNP rs116687117, ClinGen allele CA4733490.
Genomic context (GRCh38, chr8:42,444,698, plus strand): 5'-GCCCATACCTGTTATTTTCCTCCGCATCCACGGACACACGAAGAGCCACACAAAAAAAGC[G>A]AACAGGAGGGCGACACCAAAGGAAATGAGGGCTATGGCCCACATGGGGAGAACAAGGCCG-3'
Protein context (NP_001244109.1, residues 216-236): ALISFGVALL[Phe226=]AFFVWLFVCP

ClinVar aggregate classification (germline): Likely benign. Review status: criteria provided, multiple submitters, no conflicts (2 of 4 stars). 3 submissions from 3 submitters: Likely benign (3). Last evaluated 2021-07-07.

Conditions:
Idiopathic basal ganglia calcification 1 (PFBC1A). Also called: Familial Idiopathic Basal Ganglia Calcification 2; Familial Idiopathic Basal Ganglia Calcification 3; Primary Familial Brain Calcification; PRIMARY FAMILIAL BRAIN CALCIFICATION 1A, AUTOSOMAL DOMINANT; Fahr's syndrome; Cerebral calcification nonarteriosclerotic idiopathic adult-onset. Identifiers: Orphanet 1980, MedGen C4551624, MONDO:0024538, OMIM 213600.

Allele frequency attached by ClinVar (database versions not stated): gnomAD exomes 0.00008; 1000 Genomes Project 30x 0.00016; gnomAD 0.00003; TOPMed 0.00007; 1000 Genomes Project 0.00020; ExAC 0.00007.
gnomAD v4.1: 108 of 1,613,938 alleles (0.0067%); highest among the groups gnomAD compares: South Asian, 0.036%; 2 homozygotes.

Submissions (3):

Fulgent Genetics
Classification: Likely benign for Idiopathic basal ganglia calcification 1. Last evaluated: 2021-07-07. Review status: criteria provided, single submitter. Criteria: ACMG Guidelines, 2015. Collection method: clinical testing. Allele origin: unknown.

Labcorp Genetics (formerly Invitae), Labcorp
Classification: Likely benign. Last evaluated: 2018-03-29. Review status: criteria provided, single submitter. Criteria: Invitae Variant Classification Sherloc (09022015). Collection method: clinical testing. Allele origin: germline.

Illumina Laboratory Services, Illumina
Classification: Likely benign for Idiopathic basal ganglia calcification 1. Last evaluated: 2018-01-13. Review status: criteria provided, single submitter. Criteria: ICSL Variant Classification Criteria 13 December 2019. Collection method: clinical testing. Allele origin: germline.
Comment: This variant was observed in the ICSL laboratory as part of a predisposition screen in an ostensibly healthy population. It had not been previously curated by ICSL or reported in the Human Gene Mutation Database (HGMD: prior to June 1st, 2018), and was therefore a candidate for classification through an automated scoring system. Utilizing variant allele frequency, disease prevalence and penetrance estimates, and inheritance mode, an automated score was calculated to assess if this variant is too frequent to cause the disease. Based on the score and internal cut-off values, a variant classified as likely benign is not then subjected to further curation. The score for this variant resulted in a classification of likely benign for this disease.